The following is an entry in ClinVar:

ClinVar aggregate classification (germline): Uncertain significance (1 of 4 stars; one submission).

Conditions:
Hereditary cancer-predisposing syndrome. Also called: Neoplastic Syndromes, Hereditary; Tumor predisposition; Hereditary neoplastic syndrome; Hereditary Cancer Syndrome. Identifiers: Orphanet 140162, MedGen C0027672, MeSH D009386, MONDO:0015356.

Submission:

Ambry Genetics
Classification: Uncertain significance for Hereditary cancer-predisposing syndrome. Last evaluated: 2026-08-20. Review status: criteria provided, single submitter. Criteria: Ambry Variant Classification Scheme 2023. Collection method: clinical testing. Allele origin: germline.
Comment: The p.H330N variant (also known as c.988C>A), located in coding exon 6 of the PDGFRA gene, results from a C to A substitution at nucleotide position 988. The histidine at codon 330 is replaced by asparagine, an amino acid with similar properties. This amino acid position is conserved. In addition, this alteration is predicted to be tolerated by in silico analysis. Based on the available evidence, the clinical significance of this variant remains unclear.

NM_006206.6(PDGFRA):c.988C>A (p.His330Asn)

Gene: PDGFRA (platelet derived growth factor receptor alpha; plus strand). Cytogenetic location: 4q12.
Variant type: single nucleotide variant.
Coding change: c.988C>A on transcript NM_006206.6 (MANE Select); coding-DNA position 988, C replaced by A.
Protein change: p.His330Asn; replaces histidine 330 with asparagine.
Molecular consequence: missense variant.
Genome position (GRCh38, 1-based): chr4:54,267,608, C>A. VCF-style: chr4-54267608-C-A. GRCh37 (hg19) VCF-style: chr4-55133775-C-A.
Other names: c.988C>A, p.His330Asn (NM_001347827.2, NM_001347829.2); c.1063C>A, p.His355Asn (NM_001347828.2); c.1027C>A, p.His343Asn (NM_001347830.2); short protein forms H330N, H355N, H343N.
Identifiers: ClinVar variation 5026452 (VCV005026452.1).